The following is an entry in ClinVar:

NM_000631.5(NCF4):c.670G>A (p.Val224Met)

Gene: NCF4 (neutrophil cytosolic factor 4; plus strand). Cytogenetic location: 22q12.3.
Variant type: single nucleotide variant.
Coding change: c.670G>A on transcript NM_000631.5 (MANE Select); coding-DNA position 670, G replaced by A.
Protein change: p.Val224Met; replaces valine 224 with methionine.
Molecular consequence: missense variant.
Genome position (GRCh38, 1-based): chr22:36,875,695, G>A. VCF-style: chr22-36875695-G-A. GRCh37 (hg19) VCF-style: chr22-37271737-G-A.
Other names: c.670G>A, p.Val224Met (NM_013416.4); short protein forms V224M.
Identifiers: ClinVar variation 945677 (VCV000945677.10), dbSNP rs200068754, ClinGen allele CA10213131.
Genomic context (GRCh38, chr22:36,875,695, plus strand): 5'-CCTTCTCTTCCTCTGCAGGGCACTGTCCGGGGAGCCACGGGCATCTTCCCTCTCTCCTTC[G>A]TGAAGATCCTCAAAGACTTCCCTGAGGAGGACGACCCCACCAACTGGCTGCGTTGCTACT-3'
Protein context (NP_000622.2, residues 214-234): GATGIFPLSF[Val224Met]KILKDFPEED

ClinVar aggregate classification (germline): Uncertain significance. Review status: criteria provided, multiple submitters, no conflicts (2 of 4 stars). 2 submissions from 2 submitters: Uncertain significance (2). Last evaluated 2025-10-02.

Conditions:
Granulomatous disease, chronic, autosomal recessive, cytochrome b-positive, type 3. Also called: GRANULOMATOUS DISEASE, CHRONIC, AUTOSOMAL RECESSIVE, 3; CGD, AUTOSOMAL RECESSIVE CYTOCHROME b-POSITIVE, TYPE III; GRANULOMATOUS DISEASE, CHRONIC, DUE TO NCF4 DEFICIENCY; Granulomatous disease, chronic, autosomal recessive, cytochrome b-positive, type III. Identifiers: Orphanet 379, MedGen C3151409, MONDO:0013507, OMIM 613960.

Allele frequency attached by ClinVar (database versions not stated): TOPMed 0.00002; gnomAD 0.00004; gnomAD exomes 0.00005; ExAC 0.00007; 1000 Genomes Project 30x 0.00016; 1000 Genomes Project 0.00020.

Submissions (2):

Ambry Genetics
Classification: Uncertain significance. Last evaluated: 2025-10-02. Review status: criteria provided, single submitter. Criteria: Ambry Variant Classification Scheme 2023. Collection method: clinical testing. Allele origin: germline.

Labcorp Genetics (formerly Invitae), Labcorp
Classification: Uncertain significance for Granulomatous disease, chronic, autosomal recessive, cytochrome b-positive, type 3. Last evaluated: 2024-10-15. Review status: criteria provided, single submitter. Criteria: Invitae Variant Classification Sherloc (09022015). Collection method: clinical testing. Allele origin: germline.
Comment: This sequence change replaces valine, which is neutral and non-polar, with methionine, which is neutral and non-polar, at codon 224 of the NCF4 protein (p.Val224Met). This variant is present in population databases (rs200068754, gnomAD 0.01%). This variant has not been reported in the literature in individuals affected with NCF4-related conditions. ClinVar contains an entry for this variant (Variation ID: 945677). An algorithm developed to predict the effect of missense changes on protein structure and function (PolyPhen-2) suggests that this variant is likely to be disruptive. In summary, the available evidence is currently insufficient to determine the role of this variant in disease. Therefore, it has been classified as a Variant of Uncertain Significance.